The following is an entry in ClinVar:

NM_015047.3(EMC1):c.1978C>T (p.Arg660Ter)

Genes: EMC1 (ER membrane protein complex subunit 1; minus strand), EMC1-AS1 (EMC1 antisense RNA 1; plus strand). Cytogenetic location: 1p36.13.
Variant type: single nucleotide variant.
Coding change: c.1978C>T on transcript NM_015047.3 (MANE Select); coding-DNA position 1978, C replaced by T.
Protein change: p.Arg660Ter; replaces arginine 660 with a stop codon.
Molecular consequence: nonsense.
Genome position (GRCh38, 1-based): chr1:19,230,930, G>A on the plus strand (C>T on the coding strand, the complement: EMC1 is on the minus strand). VCF-style: chr1-19230930-G-A. GRCh37 (hg19) VCF-style: chr1-19557424-G-A.
Other names: c.1975C>T, p.Arg659Ter (NM_001271427.2, NM_001271428.2); c.1912C>T, p.Arg638Ter (NM_001271429.2); c.1987C>T, p.Arg663Ter (NM_001375820.1); c.1984C>T, p.Arg662Ter (NM_001375821.1); short protein forms R638*, R659*, R660*, R662*, R663*.
Identifiers: ClinVar variation 1023218 (VCV001023218.13), dbSNP rs201271494, ClinGen allele CA652438.

ClinVar aggregate classification (germline): Pathogenic/Likely pathogenic. Review status: criteria provided, multiple submitters, no conflicts (2 of 4 stars). 5 submissions from 5 submitters: Pathogenic (1); Likely pathogenic (3). 1 of the submissions does not count toward it. Last evaluated 2025-11-13.

Conditions:
EMC1-related disorder. Also called: EMC1-related condition.
Cerebellar atrophy, visual impairment, and psychomotor retardation;. Also called: Cerebellar atrophy, visual impairment, and psychomotor retardation. Identifiers: MedGen C4225172, MONDO:0014811, OMIM 616875.

Allele frequency attached by ClinVar (database versions not stated): ESP Exome Variant Server 0.00015; TOPMed 0.00017.
gnomAD v4.1: 226 of 1,614,020 alleles (0.014%); highest among the groups gnomAD compares: Non-Finnish European, 0.018%; no homozygotes.

Submissions (5):

Labcorp Genetics (formerly Invitae), Labcorp
Classification: Pathogenic. Last evaluated: 2025-11-13. Review status: criteria provided, single submitter. Criteria: Invitae Variant Classification Sherloc (09022015). Collection method: clinical testing. Allele origin: germline.
Comment: This sequence change creates a premature translational stop signal (p.Arg660*) in the EMC1 gene. It is expected to result in an absent or disrupted protein product. Loss-of-function variants in EMC1 are known to be pathogenic (PMID: 26572623, 26942288, 29271071). This variant is present in population databases (rs201271494, gnomAD 0.008%). This variant has not been reported in the literature in individuals affected with EMC1-related conditions. ClinVar contains an entry for this variant (Variation ID: 1023218). For these reasons, this variant has been classified as Pathogenic.

GeneDx
Classification: Likely pathogenic. Last evaluated: 2025-10-24. Review status: criteria provided, single submitter. Criteria: GeneDx Variant Classification Process June 2021. Collection method: clinical testing. Allele origin: germline. Affected: yes.
Comment: Nonsense variant predicted to result in protein truncation or nonsense mediated decay in a gene for which loss of function is a known mechanism of disease; Not observed at significant frequency in large population cohorts (gnomAD); Has not been previously published as pathogenic or benign to our knowledge; This variant is associated with the following publications: (PMID: 26942288, 29271071, 26572623)

Blueprint Genetics
Classification: Likely pathogenic for EMC1-related disorders. Last evaluated: 2023-12-04. Review status: criteria provided, single submitter. Criteria: ACMG Guidelines, 2015. Collection method: clinical testing. Allele origin: germline. Affected: yes. Observed: 5 variant alleles.

Department of Pathology and Laboratory Medicine, Sinai Health System
Classification: Likely pathogenic for Cerebellar atrophy, visual impairment, and psychomotor retardation;. Last evaluated: 2023-05-05. Review status: criteria provided, single submitter. Criteria: ACMG Guidelines, 2015. Collection method: research. Allele origin: germline.

Clinical Genetics Laboratory, University Hospital Schleswig-Holstein
Classification: Pathogenic for Cerebellar atrophy, visual impairment, and psychomotor retardation;. Last evaluated: 2023-09-22. Review status: no assertion criteria provided. Collection method: clinical testing. Allele origin: maternal. Affected: yes. Not counted in ClinVar's aggregate classification.

Literature cited by the submitters: PubMed 26572623 (cited by Labcorp Genetics (formerly Invitae), Labcorp); PubMed 26942288 (cited by Labcorp Genetics (formerly Invitae), Labcorp); PubMed 29271071 (cited by Labcorp Genetics (formerly Invitae), Labcorp).